The following is an entry in ClinVar:

NM_000814.6(GABRB3):c.695G>T (p.Arg232Leu)

Gene: GABRB3 (gamma-aminobutyric acid type A receptor subunit beta3; minus strand). Cytogenetic location: 15q12.
Variant type: single nucleotide variant.
Coding change: c.695G>T on transcript NM_000814.6 (MANE Select); coding-DNA position 695, G replaced by T.
Protein change: p.Arg232Leu; replaces arginine 232 with leucine.
Molecular consequence: missense variant.
Genome position (GRCh38, 1-based): chr15:26,567,721, C>A on the plus strand (G>T on the coding strand, the complement: GABRB3 is on the minus strand). VCF-style: chr15-26567721-C-A. GRCh37 (hg19) VCF-style: chr15-26812868-C-A.
Other names: c.440G>T, p.Arg147Leu (NM_001191320.2, NM_001278631.2); c.482G>T, p.Arg161Leu (NM_001191321.3); c.695G>T, p.Arg232Leu (NM_021912.5); short protein forms R147L, R161L, R232L.
Identifiers: ClinVar variation 4976380 (VCV004976380.1).

ClinVar aggregate classification (germline): Uncertain significance (1 of 4 stars; one submission).

Submission:

GeneDx
Classification: Uncertain significance. Last evaluated: 2026-02-11. Review status: criteria provided, single submitter. Criteria: GeneDx Variant Classification Process June 2021. Collection method: clinical testing. Allele origin: germline.
Comment: Not observed at significant frequency in large population cohorts (gnomAD); In silico analysis supports that this missense variant has a deleterious effect on protein structure/function; Has not been previously published as pathogenic or benign to our knowledge; This variant is associated with the following publications: (PMID: 28544625)